The following is an entry in ClinVar:

NM_001042492.3(NF1):c.2819C>G (p.Thr940Ser)

Gene: NF1 (neurofibromin 1; plus strand). Cytogenetic location: 17q11.2.
Variant type: single nucleotide variant.
Coding change: c.2819C>G on transcript NM_001042492.3 (MANE Select); coding-DNA position 2819, C replaced by G.
Protein change: p.Thr940Ser; replaces threonine 940 with serine.
Molecular consequence: missense variant.
Genome position (GRCh38, 1-based): chr17:31,229,434, C>G. VCF-style: chr17-31229434-C-G. GRCh37 (hg19) VCF-style: chr17-29556452-C-G.
Other names: c.2819C>G, p.Thr940Ser (NM_000267.4); short protein forms T940S.
Identifiers: ClinVar variation 237541 (VCV000237541.14), dbSNP rs368995630, ClinGen allele CA8486026.

ClinVar aggregate classification (germline): Conflicting classifications of pathogenicity. Review status: criteria provided, conflicting classifications (1 of 4 stars). 4 submissions from 4 submitters: Uncertain significance (2); Benign (1); Likely benign (1). Last evaluated 2025-10-14.

Conditions:
Cardiovascular phenotype. Identifiers: MedGen CN230736.
Hereditary cancer-predisposing syndrome. Also called: Tumor predisposition; Hereditary Cancer Syndrome; Hereditary neoplastic syndrome; Neoplastic Syndromes, Hereditary. Identifiers: Orphanet 140162, MedGen C0027672, MeSH D009386, MONDO:0015356.
Neurofibromatosis, type 1 (NF1). Also called: VON RECKLINGHAUSEN DISEASE; NEUROFIBROMATOSIS, TYPE I, SOMATIC; Peripheral type neurofibromatosis; Neurofibromatosis, type I. Identifiers: Orphanet 636, MedGen C0027831, MONDO:0018975, OMIM 162200. Disease mechanism: loss of function.

Allele frequency attached by ClinVar (database versions not stated): TOPMed 0.00001; gnomAD 0.00002; ESP Exome Variant Server 0.00008.
gnomAD v4.1: 10 of 1,613,736 alleles (0.00062%); highest among the groups gnomAD compares: Non-Finnish European, 0.00085%; no homozygotes.

Submissions (4):

Ambry Genetics
Classification: Uncertain significance for Cardiovascular phenotype; Hereditary cancer-predisposing syndrome. Last evaluated: 2025-10-14. Review status: criteria provided, single submitter. Criteria: Ambry Variant Classification Scheme 2023. Collection method: clinical testing. Allele origin: germline.
Comment: The c.2819C>G (p.T940S) alteration is located in exon 21 (coding exon 21) of the NF1 gene. This alteration results from a C to G substitution at nucleotide position 2819, causing the threonine (T) at amino acid position 940 to be replaced by a serine (S). Based on data from gnomAD, the G allele has an overall frequency of 0.001% (3/250626) total alleles studied. The highest observed frequency was 0.003% (3/113210) of European (non-Finnish) alleles. Based on insufficient or conflicting evidence, the clinical significance of this alteration remains unclear.

Labcorp Genetics (formerly Invitae), Labcorp
Classification: Benign for Neurofibromatosis, type 1. Last evaluated: 2025-10-08. Review status: criteria provided, single submitter. Criteria: Invitae Variant Classification Sherloc (09022015). Collection method: clinical testing. Allele origin: germline.

GeneKor MSA
Classification: Uncertain significance for Hereditary cancer-predisposing syndrome. Last evaluated: 2018-08-01. Review status: criteria provided, single submitter. Criteria: ACMG Guidelines, 2015. Collection method: clinical testing. Allele origin: germline. Affected: yes.

GeneDx
Classification: Likely benign. Last evaluated: 2018-02-02. Review status: criteria provided, single submitter. Criteria: GeneDx Variant Classification (06012015). Collection method: clinical testing. Allele origin: germline. Affected: yes.
Comment: This variant is considered likely benign or benign based on one or more of the following criteria: it is a conservative change, it occurs at a poorly conserved position in the protein, it is predicted to be benign by multiple in silico algorithms, and/or has population frequency not consistent with disease.